The following is an entry in ClinVar:

ClinVar aggregate classification (germline): Pathogenic (1 of 4 stars; one submission).

Submission:

Labcorp Genetics (formerly Invitae), Labcorp
Classification: Pathogenic. Last evaluated: 2024-01-31. Review status: criteria provided, single submitter. Criteria: Invitae Variant Classification Sherloc (09022015). Collection method: clinical testing. Allele origin: germline.
Comment: This sequence change creates a premature translational stop signal (p.Gly185*) in the FZD4 gene. While this is not anticipated to result in nonsense mediated decay, it is expected to disrupt the last 353 amino acid(s) of the FZD4 protein. This variant is not present in population databases (gnomAD no frequency). This variant has not been reported in the literature in individuals affected with FZD4-related conditions. This variant disrupts a region of the FZD4 protein in which other variant(s) (p.Thr503Valfs*31) have been determined to be pathogenic (PMID: 21097938, 25711638, 26530129). This suggests that this is a clinically significant region of the protein, and that variants that disrupt it are likely to be disease-causing. For these reasons, this variant has been classified as Pathogenic.

Literature cited by the submitters: PubMed 21097938; PubMed 25711638; PubMed 26530129.

NM_012193.4(FZD4):c.553G>T (p.Gly185Ter)

Genes: FZD4 (frizzled class receptor 4; minus strand), PRSS23 (serine protease 23; plus strand). Cytogenetic location: 11q14.2.
Variant type: single nucleotide variant.
Coding change: c.553G>T on transcript NM_012193.4 (MANE Select); coding-DNA position 553, G replaced by T.
Protein change: p.Gly185Ter; replaces glycine 185 with a stop codon.
Molecular consequence: nonsense. On other transcripts: non-coding transcript variant (2).
Genome position (GRCh38, 1-based): chr11:86,952,203, C>A on the plus strand (G>T on the coding strand, the complement: FZD4 is on the minus strand). VCF-style: chr11-86952203-C-A. GRCh37 (hg19) VCF-style: chr11-86663245-C-A.
Other names: short protein forms G185*.
Identifiers: ClinVar variation 3637880 (VCV003637880.2).
Genomic context (GRCh38, chr11:86,952,203, plus strand): 5'-CACACTTGAGCACACAGTTCAGGCTCCTTTTCACCCAGATGTACTGATCAGAATTGGTTC[C>A]CACAGAGTGACACTCTTCCCCAGGCTGGATGGGGGTTTTGTGAGGTAAGGGCACCTCTTC-3'